The following is an entry in ClinVar:

NM_015512.5(DNAH1):c.11958+5G>A

Gene: DNAH1 (dynein axonemal heavy chain 1; plus strand). Cytogenetic location: 3p21.1.
Variant type: single nucleotide variant.
Coding change: c.11958+5G>A on transcript NM_015512.5 (MANE Select); 5 bases into the intron after coding-DNA position 11958, G replaced by A.
Molecular consequence: intron variant.
Genome position (GRCh38, 1-based): chr3:52,397,882, G>A. VCF-style: chr3-52397882-G-A. GRCh37 (hg19) VCF-style: chr3-52431898-G-A.
Identifiers: ClinVar variation 2039077 (VCV002039077.4), dbSNP rs749479420, ClinGen allele CA2436333.

ClinVar aggregate classification (germline): Uncertain significance (1 of 4 stars; one submission).

Conditions:
Spermatogenic failure 18. Identifiers: MedGen C4539783, MONDO:0054615, OMIM 617576.
Ciliary dyskinesia, primary, 37 (CILD37). Also called: CILIARY DYSKINESIA, PRIMARY, 37, WITH OR WITHOUT SITUS INVERSUS. Identifiers: MedGen C4539798, MONDO:0033204, OMIM 617577.

gnomAD v4.1: 5 of 1,596,542 alleles (0.00031%); highest among the groups gnomAD compares: Admixed American, 0.0068%; no homozygotes.

Submission:

Labcorp Genetics (formerly Invitae), Labcorp
Classification: Uncertain significance for Ciliary dyskinesia, primary, 37; Spermatogenic failure 18. Last evaluated: 2022-05-24. Review status: criteria provided, single submitter. Criteria: Invitae Variant Classification Sherloc (09022015). Collection method: clinical testing. Allele origin: germline.
Comment: In summary, the available evidence is currently insufficient to determine the role of this variant in disease. Therefore, it has been classified as a Variant of Uncertain Significance. This sequence change falls in intron 74 of the DNAH1 gene. It does not directly change the encoded amino acid sequence of the DNAH1 protein. It affects a nucleotide within the consensus splice site. This variant is present in population databases (rs749479420, gnomAD 0.006%). This variant has not been reported in the literature in individuals affected with DNAH1-related conditions. Variants that disrupt the consensus splice site are a relatively common cause of aberrant splicing (PMID: 17576681, 9536098). Algorithms developed to predict the effect of sequence changes on RNA splicing suggest that this variant may disrupt the consensus splice site.

Literature cited by the submitters: PubMed 17576681; PubMed 9536098.